The following is an entry in ClinVar:

NM_080680.3(COL11A2):c.148G>T (p.Ala50Ser)

Gene: COL11A2 (collagen type XI alpha 2 chain; minus strand). Cytogenetic location: 6p21.32.
Variant type: single nucleotide variant.
Coding change: c.148G>T on transcript NM_080680.3 (MANE Select); coding-DNA position 148, G replaced by T.
Protein change: p.Ala50Ser; replaces alanine 50 with serine.
Molecular consequence: missense variant. On other transcripts: 5 prime UTR variant (3), non-coding transcript variant (1).
Genome position (GRCh38, 1-based): chr6:33,189,404, C>A on the plus strand (G>T on the coding strand, the complement: COL11A2 is on the minus strand). VCF-style: chr6-33189404-C-A. GRCh37 (hg19) VCF-style: chr6-33157181-C-A.
Other names: c.148G>T, p.Ala50Ser (NM_001163771.2, NM_001424108.1, NM_080679.3 and 1 more transcripts); c.-699G>T (NM_001424109.1, NM_001424110.1, NM_001424111.1); short protein forms A50S.
Identifiers: ClinVar variation 3624865 (VCV003624865.2).

ClinVar aggregate classification (germline): Uncertain significance (1 of 4 stars; one submission).

gnomAD v4.1: 2 of 1,613,068 alleles (0.00012%); highest among the groups gnomAD compares: African/African-American, 0.0013%; no homozygotes.

Submission:

Labcorp Genetics (formerly Invitae), Labcorp
Classification: Uncertain significance. Last evaluated: 2024-10-13. Review status: criteria provided, single submitter. Criteria: Invitae Variant Classification Sherloc (09022015). Collection method: clinical testing. Allele origin: germline.
Comment: This sequence change replaces alanine, which is neutral and non-polar, with serine, which is neutral and polar, at codon 50 of the COL11A2 protein (p.Ala50Ser). This variant is not present in population databases (gnomAD no frequency). This variant has not been reported in the literature in individuals affected with COL11A2-related conditions. Invitae Evidence Modeling of protein sequence and biophysical properties (such as structural, functional, and spatial information, amino acid conservation, physicochemical variation, residue mobility, and thermodynamic stability) indicates that this missense variant is not expected to disrupt COL11A2 protein function with a negative predictive value of 95%. In summary, the available evidence is currently insufficient to determine the role of this variant in disease. Therefore, it has been classified as a Variant of Uncertain Significance.